The following is an entry in ClinVar:

NM_015443.4(KANSL1):c.190C>T (p.Arg64Ter)

Gene: KANSL1 (KAT8 regulatory NSL complex subunit 1). Cytogenetic location: 17q21.31.
Variant type: single nucleotide variant.
Coding change: c.190C>T on transcript NM_015443.4 (MANE Select); coding-DNA position 190, C replaced by T.
Protein change: p.Arg64Ter; replaces arginine 64 with a stop codon.
Molecular consequence: nonsense. On other transcripts: intron variant (4).
Genome position (GRCh38, 1-based): chr17:46,171,954, G>A on the plus strand (C>T on the coding strand, the complement: KANSL1 is on the minus strand). VCF-style: chr17-46171954-G-A. GRCh37 (hg19) VCF-style: chr17-44249320-G-A.
Other names: c.190C>T, p.Arg64Ter (NM_001193465.2, NM_001193466.2, NM_001379198.1 and 18 more transcripts); c.23+51717C>T (NM_001405885.1, NM_001405884.1, NM_001405883.1 and 1 more transcripts); short protein forms R64*.
Identifiers: ClinVar variation 2574470 (VCV002574470.3), dbSNP rs762509401, ClinGen allele CA8619097.

ClinVar aggregate classification (germline): Uncertain significance. Review status: criteria provided, multiple submitters, no conflicts (2 of 4 stars). 3 submissions from 3 submitters: Uncertain significance (3). Last evaluated 2025-03-07.

Conditions:
Inborn genetic diseases. Identifiers: MedGen C0950123, MeSH D030342.

Allele frequency attached by ClinVar (database versions not stated): ExAC 0.00001.
gnomAD v4.1: 6 of 1,614,258 alleles (0.00037%); highest among the groups gnomAD compares: Non-Finnish European, 0.00042%; no homozygotes.

Submissions (3):

Ambry Genetics
Classification: Uncertain significance for Inborn genetic diseases. Last evaluated: 2025-03-07. Review status: criteria provided, single submitter. Criteria: Ambry Variant Classification Scheme 2023. Collection method: clinical testing. Allele origin: germline.
Comment: The c.190C>T (p.R64*) alteration, located in exon 2 (coding exon 1) of the KANSL1 gene, consists of a C to T substitution at nucleotide position 190. This changes the amino acid from a arginine (R) to a stop codon at amino acid position 64. This alteration is expected to result in loss of function by premature protein truncation or nonsense-mediated mRNA decay. This KANSL1 variant is located in a genomically complex region; therefore, while this variant is expected to be deleterious, it is recommended to confirm that it has occurred de novo prior to classifying it as such (Koolen, 2016). Based on data from gnomAD, the T allele has an overall frequency of <0.001% (1/251488) total alleles studied. The highest observed frequency was 0.001% (1/113762) of European (non-Finnish) alleles. Based on insufficient or conflicting evidence, the clinical significance of this alteration remains unclear.

Laboratory of Genetics, Children's Clinical University Hospital Latvia
Classification: Uncertain significance. Last evaluated: 2025-02-16. Review status: criteria provided, single submitter. Criteria: ACMG Guidelines, 2015. Collection method: clinical testing. Allele origin: germline. Affected: yes.

GeneDx
Classification: Uncertain significance. Last evaluated: 2023-01-26. Review status: criteria provided, single submitter. Criteria: GeneDx Variant Classification Process June 2021. Collection method: clinical testing. Allele origin: germline. Affected: yes.
Comment: Identified in an individual from a cohort of patients with neurodevelopmental disorders, but familial segregation information and specific clinical information were not included (Wang et al., 2020); Nonsense variant predicted to result in protein truncation or nonsense mediated decay in a gene for which loss of function is a known mechanism of disease; This variant is associated with the following publications: (PMID: 33004838)